The following is an entry in ClinVar:

NM_004104.5(FASN):c.541C>T (p.Pro181Ser)

Gene: FASN (fatty acid synthase; minus strand). Cytogenetic location: 17q25.3.
Variant type: single nucleotide variant.
Coding change: c.541C>T on transcript NM_004104.5 (MANE Select); coding-DNA position 541, C replaced by T.
Protein change: p.Pro181Ser; replaces proline 181 with serine.
Molecular consequence: missense variant.
Genome position (GRCh38, 1-based): chr17:82,093,333, G>A on the plus strand (C>T on the coding strand, the complement: FASN is on the minus strand). VCF-style: chr17-82093333-G-A. GRCh37 (hg19) VCF-style: chr17-80051209-G-A.
Other names: short protein forms P181S.
Identifiers: ClinVar variation 3701700 (VCV003701700.2).

ClinVar aggregate classification (germline): Uncertain significance (1 of 4 stars; one submission).

Conditions:
Epileptic encephalopathy. Identifiers: MedGen C0543888, HP:0200134.

Submission:

Labcorp Genetics (formerly Invitae), Labcorp
Classification: Uncertain significance for Epileptic encephalopathy. Last evaluated: 2024-06-26. Review status: criteria provided, single submitter. Criteria: Invitae Variant Classification Sherloc (09022015). Collection method: clinical testing. Allele origin: germline.
Comment: This sequence change replaces proline, which is neutral and non-polar, with serine, which is neutral and polar, at codon 181 of the FASN protein (p.Pro181Ser). This variant is not present in population databases (gnomAD no frequency). This variant has not been reported in the literature in individuals affected with FASN-related conditions. An algorithm developed to predict the effect of missense changes on protein structure and function (PolyPhen-2) suggests that this variant is likely to be tolerated. In summary, the available evidence is currently insufficient to determine the role of this variant in disease. Therefore, it has been classified as a Variant of Uncertain Significance.